The following is an entry in ClinVar:

ClinVar aggregate classification (germline): Uncertain significance. Review status: criteria provided, multiple submitters, no conflicts (2 of 4 stars). 4 submissions from 4 submitters: Uncertain significance (4). Last evaluated 2026-07-01.

Conditions:
Polycystic kidney disease 3 with or without polycystic liver disease. Also called: POLYCYSTIC KIDNEY DISEASE, ADULT, TYPE III; Polycystic Kidney and/or Polycystic Liver Disease 3; Polycystic kidney disease 3. Identifiers: MedGen C3887964, MONDO:0010916, OMIM 600666.

Allele frequency attached by ClinVar (database versions not stated): gnomAD exomes below 0.00001; TOPMed 0.00001.
gnomAD v4.1: 1 of 1,614,172 alleles (0.000062%); highest among the groups gnomAD compares: Admixed American, 0.0017%; no homozygotes.

Submissions (4):

CeGaT Center for Human Genetics Tuebingen
Classification: Uncertain significance. Last evaluated: 2026-07-01. Review status: criteria provided, single submitter. Criteria: CeGaT Center For Human Genetics Tuebingen Variant Classification Criteria Version 2. Collection method: clinical testing. Allele origin: germline. Affected: yes. Observed: 1 variant allele.
Comment: GANAB: PM2

Labcorp Genetics (formerly Invitae), Labcorp
Classification: Uncertain significance. Last evaluated: 2024-08-12. Review status: criteria provided, single submitter. Criteria: Invitae Variant Classification Sherloc (09022015). Collection method: clinical testing. Allele origin: germline.
Comment: This sequence change replaces tryptophan, which is neutral and slightly polar, with leucine, which is neutral and non-polar, at codon 588 of the GANAB protein (p.Trp588Leu). This variant is not present in population databases (gnomAD no frequency). This variant has not been reported in the literature in individuals affected with GANAB-related conditions. ClinVar contains an entry for this variant (Variation ID: 1960954). Advanced modeling of protein sequence and biophysical properties (such as structural, functional, and spatial information, amino acid conservation, physicochemical variation, residue mobility, and thermodynamic stability) performed at Invitae indicates that this missense variant is not expected to disrupt GANAB protein function with a negative predictive value of 80%. In summary, the available evidence is currently insufficient to determine the role of this variant in disease. Therefore, it has been classified as a Variant of Uncertain Significance.

Fulgent Genetics
Classification: Uncertain significance for Polycystic kidney disease 3 with or without polycystic liver disease. Last evaluated: 2024-06-24. Review status: criteria provided, single submitter. Criteria: ACMG Guidelines, 2015. Collection method: clinical testing. Allele origin: germline.

GeneDx
Classification: Uncertain significance. Last evaluated: 2024-03-12. Review status: criteria provided, single submitter. Criteria: GeneDx Variant Classification Process June 2021. Collection method: clinical testing. Allele origin: germline. Affected: yes.
Comment: Not observed at significant frequency in large population cohorts (gnomAD); In silico analysis supports that this missense variant has a deleterious effect on protein structure/function; Has not been previously published as pathogenic or benign to our knowledge

NM_198334.3(GANAB):c.1697G>T (p.Trp566Leu)

Gene: GANAB (glucosidase II alpha subunit; minus strand). Cytogenetic location: 11q12.3.
Variant type: single nucleotide variant.
Coding change: c.1697G>T on transcript NM_198334.3 (MANE Select); coding-DNA position 1697, G replaced by T.
Protein change: p.Trp566Leu; replaces tryptophan 566 with leucine.
Molecular consequence: missense variant.
Genome position (GRCh38, 1-based): chr11:62,629,854, C>A on the plus strand (G>T on the coding strand, the complement: GANAB is on the minus strand). VCF-style: chr11-62629854-C-A. GRCh37 (hg19) VCF-style: chr11-62397326-C-A.
Other names: c.1421G>T, p.Trp474Leu (NM_001278192.2); c.1355G>T, p.Trp452Leu (NM_001278193.2); c.1406G>T, p.Trp469Leu (NM_001278194.2, NM_001329222.2, NM_001329223.2); c.974G>T, p.Trp325Leu (NM_001329224.2, NM_001329225.2); c.1763G>T, p.Trp588Leu (NM_198335.4); c.1763G>T (NM_198335.3); short protein forms W325L, W452L, W474L, W566L, W588L, W469L.
Identifiers: ClinVar variation 1960954 (VCV001960954.9), dbSNP rs1943580815, ClinGen allele CA380992092.